The following is an entry in ClinVar:

NM_000088.4(COL1A1):c.3233T>C (p.Val1078Ala)

Gene: COL1A1 (collagen type I alpha 1 chain; minus strand). Cytogenetic location: 17q21.33.
Variant type: single nucleotide variant.
Coding change: c.3233T>C on transcript NM_000088.4 (MANE Select); coding-DNA position 3233, T replaced by C.
Protein change: p.Val1078Ala; replaces valine 1078 with alanine.
Molecular consequence: missense variant.
Genome position (GRCh38, 1-based): chr17:50,188,124, A>G on the plus strand (T>C on the coding strand, the complement: COL1A1 is on the minus strand). VCF-style: chr17-50188124-A-G. GRCh37 (hg19) VCF-style: chr17-48265485-A-G.
Other names: short protein forms V1078A.
Identifiers: ClinVar variation 324102 (VCV000324102.34), dbSNP rs767525556, ClinGen allele CA8644518.

ClinVar aggregate classification (germline): Conflicting classifications of pathogenicity. Review status: criteria provided, conflicting classifications (1 of 4 stars). 10 submissions from 8 submitters: Uncertain significance (6); Likely benign (3). 1 of the submissions does not count toward it. Last evaluated 2026-01-19.

Conditions:
Cardiovascular phenotype. Identifiers: MedGen CN230736.
Osteogenesis imperfecta (OI). Identifiers: Orphanet 666, MedGen C0029434, MeSH D010013, MONDO:0019019.
Infantile cortical hyperostosis. Also called: Hyperostosis, Cortical, Congenital; Caffey Disease; P1PK BLOOD GROUP SYSTEM, P(2) PHENOTYPE. Identifiers: Orphanet 1310, MedGen C0020497, MONDO:0007244, OMIM 114000.
Osteogenesis imperfecta type I (OI1). Also called: OI, TYPE I; OSTEOGENESIS IMPERFECTA TARDA; OSTEOGENESIS IMPERFECTA WITH BLUE SCLERAE; Lobstein's Disease; Osteogenesis imperfecta type 1; Lobstein disease. Identifiers: Orphanet 216796, Orphanet 666, MedGen C0023931, MONDO:0008146, OMIM 166200. Disease mechanism: loss of function.
Osteogenesis imperfecta with normal sclerae, dominant form (OI4). Also called: OSTEOGENESIS IMPERFECTA WITH NORMAL SCLERAE; Osteogenesis imperfecta type 4; Osteogenesis Imperfecta Type IV; OSTEOGENESIS IMPERFECTA, TYPE IV, WITH DENTINOGENESIS IMPERFECTA; Common Variable Osteogenesis Imperfecta with Normal Sclerae. Identifiers: Orphanet 216820, Orphanet 666, MedGen C0268363, MONDO:0008148, OMIM 166220.
Postmenopausal osteoporosis. Also called: OSTEOPOROSIS, INVOLUTIONAL; BONE MINERAL DENSITY QUANTITATIVE TRAIT LOCUS. Identifiers: MedGen C0029458, MONDO:0008159.
Osteogenesis imperfecta, perinatal lethal (OI2). Also called: OSTEOGENESIS IMPERFECTA, TYPE II; OI, TYPE II; OSTEOGENESIS IMPERFECTA CONGENITA; VROLIK TYPE OF OSTEOGENESIS IMPERFECTA; Osteogenesis imperfecta type 2; Osteogenesis imperfecta, dominant perinatal lethal. Identifiers: Orphanet 216804, MedGen C0268358, MONDO:0008147, OMIM 166210.
Osteogenesis imperfecta type III (OI3). Also called: Osteogenesis imperfecta type 3; OI type 3; Osteogenesis imperfecta, progressively deforming with normal sclerae; OI type III; Progressively Deforming Osteogenesis Imperfecta. Identifiers: Orphanet 216812, Orphanet 666, MedGen C0268362, MONDO:0009804, OMIM 259420.
Ehlers-Danlos syndrome, arthrochalasia type. Also called: Ehlers-Danlos syndrome, arthrochalasis type; ARTHROCHALASIS MULTIPLEX CONGENITA; EDS VII, MUTANT PROCOLLAGEN TYPE; EDS VIIA; Ehlers-Danlos syndrome, arthrochalasia type, 1. Identifiers: Orphanet 1899, Orphanet 99875, Orphanet 99876, MedGen C4551623, MONDO:0007525, OMIM 130060.
Ehlers-Danlos syndrome (EDS). Identifiers: Orphanet 98249, MedGen C0013720, MONDO:0020066.
COL1A1-related disorder. Also called: COL1A1-related condition; COL1A1- related disease.

Allele frequency attached by ClinVar (database versions not stated): gnomAD 0.00012 and 0.00013; gnomAD exomes 0.00012 and 0.00034; TOPMed 0.00014; ExAC 0.00011.
gnomAD v4.1: 501 of 1,576,772 alleles (0.032%); highest among the groups gnomAD compares: Non-Finnish European, 0.041%; no homozygotes.

Submissions (10):

Labcorp Genetics (formerly Invitae), Labcorp
Classification: Likely benign for Osteogenesis imperfecta type I. Last evaluated: 2026-01-19. Review status: criteria provided, single submitter. Criteria: Invitae Variant Classification Sherloc (09022015). Collection method: clinical testing. Allele origin: germline.

Ambry Genetics
Classification: Uncertain significance for Cardiovascular phenotype. Last evaluated: 2025-12-19. Review status: criteria provided, single submitter. Criteria: Ambry Variant Classification Scheme 2023. Collection method: clinical testing. Allele origin: germline.
Comment: The c.3233T>C (p.V1078A) alteration is located in exon 44 (coding exon 44) of the COL1A1 gene. This alteration results from a T to C substitution at nucleotide position 3233, causing the valine (V) at amino acid position 1078 to be replaced by an alanine (A). Based on data from gnomAD, the C allele has an overall frequency of 0.012% (26/216806) total alleles studied. The highest observed frequency was 0.027% (25/91880) of European (non-Finnish) alleles. Based on insufficient or conflicting evidence, the clinical significance of this alteration remains unclear.

GeneDx
Classification: Uncertain significance. Last evaluated: 2025-11-26. Review status: criteria provided, single submitter. Criteria: GeneDx Variant Classification Process June 2021. Collection method: clinical testing. Allele origin: germline. Affected: yes.
Comment: In silico analysis suggests that this missense variant does not alter protein structure/function; Occurs in the triple helical domain at the Y position in the canonical Gly-X-Y repeat; although this variant may have an effect on normal protein folding and function, missense substitution at the Y position is not a common mechanism of disease (HGMD); Has not been previously published as pathogenic or benign to our knowledge

Blueprint Genetics
Classification: Likely benign. Last evaluated: 2024-10-04. Review status: criteria provided, single submitter. Criteria: ACMG Guidelines, 2015. Collection method: clinical testing. Allele origin: germline.

Genome Diagnostics Laboratory, The Hospital for Sick Children
Classification: Uncertain significance for Ehlers-Danlos syndrome. Last evaluated: 2021-03-29. Review status: criteria provided, single submitter. Criteria: ACMG Guidelines, 2015. Collection method: clinical testing. Allele origin: germline.

Fulgent Genetics
Classification: Uncertain significance for Infantile cortical hyperostosis; Ehlers-Danlos syndrome, arthrochalasia type; Osteogenesis imperfecta type I; Osteogenesis imperfecta, perinatal lethal; Osteogenesis imperfecta with normal sclerae, dominant form; Osteoporosis; Osteogenesis imperfecta type III. Last evaluated: 2018-10-31. Review status: criteria provided, single submitter. Criteria: ACMG Guidelines, 2015. Collection method: clinical testing. Allele origin: unknown.

Illumina Laboratory Services, Illumina
Classification: Uncertain significance for Osteogenesis imperfecta. Last evaluated: 2018-01-13. Review status: criteria provided, single submitter. Criteria: ICSL Variant Classification Criteria 13 December 2019. Collection method: clinical testing. Allele origin: germline.

Illumina Laboratory Services, Illumina
Classification: Likely benign for Ehlers-Danlos syndrome, arthrochalasia type. Last evaluated: 2018-01-13. Review status: criteria provided, single submitter. Criteria: ICSL Variant Classification Criteria 13 December 2019. Collection method: clinical testing. Allele origin: germline.
Comment: This variant was observed in the ICSL laboratory as part of a predisposition screen in an ostensibly healthy population. It had not been previously curated by ICSL or reported in the Human Gene Mutation Database (HGMD: prior to June 1st, 2018), and was therefore a candidate for classification through an automated scoring system. Utilizing variant allele frequency, disease prevalence and penetrance estimates, and inheritance mode, an automated score was calculated to assess if this variant is too frequent to cause the disease. Based on the score and internal cut-off values, a variant classified as likely benign is not then subjected to further curation. The score for this variant resulted in a classification of likely benign for this disease.

Illumina Laboratory Services, Illumina
Classification: Uncertain significance for Infantile cortical hyperostosis. Last evaluated: 2018-01-13. Review status: criteria provided, single submitter. Criteria: ICSL Variant Classification Criteria 13 December 2019. Collection method: clinical testing. Allele origin: germline.

PreventionGenetics, part of Exact Sciences
Classification: Likely benign for COL1A1-related condition. Last evaluated: 2024-05-30. Review status: no assertion criteria provided. Collection method: clinical testing. Allele origin: germline. Not counted in ClinVar's aggregate classification.
Comment: This variant is classified as likely benign based on ACMG/AMP sequence variant interpretation guidelines (Richards et al. 2015 PMID: 25741868, with internal and published modifications).